The following is an entry in ClinVar:

ClinVar aggregate classification (germline): Uncertain significance (1 of 4 stars; one submission).

gnomAD v4.1: 1 of 1,602,188 alleles (0.000062%); no homozygotes.

Submission:

CeGaT Center for Human Genetics Tuebingen
Classification: Uncertain significance. Last evaluated: 2023-04-01. Review status: criteria provided, single submitter. Criteria: CeGaT Center For Human Genetics Tuebingen Variant Classification Criteria Version 2. Collection method: clinical testing. Allele origin: germline. Affected: yes. Observed: 1 variant allele.
Comment: AUTS2: PM2, BP4

NM_015570.4(AUTS2):c.3381C>A (p.His1127Gln)

Gene: AUTS2 (activator of transcription and developmental regulator AUTS2; plus strand). Cytogenetic location: 7q11.22.
Variant type: single nucleotide variant.
Coding change: c.3381C>A on transcript NM_015570.4 (MANE Select); coding-DNA position 3381, C replaced by A.
Protein change: p.His1127Gln; replaces histidine 1127 with glutamine.
Molecular consequence: missense variant.
Genome position (GRCh38, 1-based): chr7:70,790,597, C>A. VCF-style: chr7-70790597-C-A. GRCh37 (hg19) VCF-style: chr7-70255583-C-A.
Other names: c.3309C>A, p.His1103Gln (NM_001127231.3); short protein forms H1103Q, H1127Q.
Identifiers: ClinVar variation 2571278 (VCV002571278.27), dbSNP rs2484994903, ClinGen allele CA367666078.
Genomic context (GRCh38, chr7:70,790,597, plus strand): 5'-CCGGCTGTACGAAGCCGACCGCTCCTTCAGGGACCGGGAGCCTCACGACTACAGCCACCA[C>A]CACCACCACCACCACCACCCGCTGTCTGTGGACCCTCGGCGGGAGCACGAGCGGGGAGGC-3'
Protein context (NP_056385.1, residues 1117-1137): RDREPHDYSH[His1127Gln]HHHHHHPLSV